The following is an entry in ClinVar:

ClinVar aggregate classification (germline): Uncertain significance (1 of 4 stars; one submission).

gnomAD v4.1: 12 of 1,613,912 alleles (0.00074%); highest among the groups gnomAD compares: Non-Finnish European, 0.00093%; no homozygotes.

Submission:

GeneDx
Classification: Uncertain significance. Last evaluated: 2023-06-02. Review status: criteria provided, single submitter. Criteria: GeneDx Variant Classification Process June 2021. Collection method: clinical testing. Allele origin: germline. Affected: yes.
Comment: Reported previously, with alternate nomenclature c.3661G>A p.(Glu1221Lys), as a paternally inherited likely disease causing variant in a child with developmental delay and epilepsy; clinical information on the father was not provided (Peng et al., 2019); Not observed at significant frequency in large population cohorts (gnomAD); In silico analysis supports that this missense variant has a deleterious effect on protein structure/function; This variant is associated with the following publications: (PMID: 29933521)

NM_001378452.1(ITPR1):c.3706G>A (p.Glu1236Lys)

Gene: ITPR1 (inositol 1,4,5-trisphosphate receptor type 1; plus strand). Cytogenetic location: 3p26.1.
Variant type: single nucleotide variant.
Coding change: c.3706G>A on transcript NM_001378452.1 (MANE Select); coding-DNA position 3706, G replaced by A.
Protein change: p.Glu1236Lys; replaces glutamic acid 1236 with lysine.
Molecular consequence: missense variant.
Genome position (GRCh38, 1-based): chr3:4,688,498, G>A. VCF-style: chr3-4688498-G-A. GRCh37 (hg19) VCF-style: chr3-4730182-G-A.
Other names: c.3679G>A, p.Glu1227Lys (NM_001099952.4); c.3661G>A, p.Glu1221Lys (NM_001168272.2); c.3634G>A, p.Glu1212Lys (NM_002222.7); short protein forms E1212K, E1221K, E1227K, E1236K.
Identifiers: ClinVar variation 3340684 (VCV003340684.1).
Genomic context (GRCh38, chr3:4,688,498, plus strand): 5'-GAGAAGCTGGTCTCCTGGCCCAGCAATCAGTGCTTTCATCTGTCTCCTCCCACACAGGCC[G>A]AAGATACCAAGATGCAAGAGATAATGAGGTTGGCTCATGAATTTTTGCAGAATTTCTGCG-3'
Protein context (NP_001365381.1, residues 1226-1246): ELLQIPYEKA[Glu1236Lys]DTKMQEIMRL